The following is an entry in ClinVar:

ClinVar aggregate classification (germline): Uncertain significance (1 of 4 stars; one submission).

Conditions:
Hereditary nonpolyposis colorectal neoplasms. Identifiers: MedGen C0009405, MeSH D003123.

Submission:

Labcorp Genetics (formerly Invitae), Labcorp
Classification: Uncertain significance for Hereditary nonpolyposis colorectal neoplasms. Last evaluated: 2024-10-06. Review status: criteria provided, single submitter. Criteria: Invitae Variant Classification Sherloc (09022015). Collection method: clinical testing. Allele origin: germline.
Comment: This sequence change replaces proline, which is neutral and non-polar, with arginine, which is basic and polar, at codon 442 of the PMS2 protein (p.Pro442Arg). This variant is not present in population databases (gnomAD no frequency). This variant has not been reported in the literature in individuals affected with PMS2-related conditions. Invitae Evidence Modeling incorporating data from in vitro experimental studies (internal data) indicates that this missense variant is not expected to disrupt PMS2 function with a negative predictive value of 95%. In summary, the available evidence is currently insufficient to determine the role of this variant in disease. Therefore, it has been classified as a Variant of Uncertain Significance.

NM_000535.7(PMS2):c.1325C>G (p.Pro442Arg)

Gene: PMS2 (PMS1 homolog 2, mismatch repair system component; minus strand). Cytogenetic location: 7p22.1.
Variant type: single nucleotide variant.
Coding change: c.1325C>G on transcript NM_000535.7 (MANE Select); coding-DNA position 1325, C replaced by G.
Protein change: p.Pro442Arg; replaces proline 442 with arginine.
Molecular consequence: missense variant. On other transcripts: non-coding transcript variant (1), intron variant (1).
Genome position (GRCh38, 1-based): chr7:5,987,440, G>C on the plus strand (C>G on the coding strand, the complement: PMS2 is on the minus strand). VCF-style: chr7-5987440-G-C. GRCh37 (hg19) VCF-style: chr7-6027071-G-C.
Other names: c.920C>G, p.Pro307Arg (NM_001322003.2, NM_001322004.2, NM_001322005.2 and 16 more transcripts); c.1169C>G, p.Pro390Arg (NM_001322006.2, NM_001406870.1); c.1007C>G, p.Pro336Arg (NM_001322007.2, NM_001322008.2, NM_001406883.1 and 2 more transcripts); c.764C>G, p.Pro255Arg (NM_001322010.2, NM_001406906.1, NM_001406907.1); c.392C>G, p.Pro131Arg (NM_001322011.2, NM_001322012.2); c.752C>G, p.Pro251Arg (NM_001322013.2, NM_001406909.1); c.1325C>G, p.Pro442Arg (NM_001322014.2, NM_001406871.1, NM_001406872.1); c.1016C>G, p.Pro339Arg (NM_001322015.2, NM_001406882.1, NM_001406875.1 and 5 more transcripts); and 13 more; short protein forms P131R, P320R, P336R, P390R, P442R, P450R, P271R, P284R.
Identifiers: ClinVar variation 3664593 (VCV003664593.2).